The following is an entry in ClinVar:

ClinVar aggregate classification (germline): Uncertain significance (1 of 4 stars; one submission).

Conditions:
Rubinstein-Taybi syndrome due to CREBBP mutations (RSTS1). Also called: BROAD THUMBS AND GREAT TOES, CHARACTERISTIC FACIES, AND IMPAIRED INTELLECTUAL DEVELOPMENT; BROAD THUMB-HALLUX SYNDROME; Rubinstein-Taybi syndrome 1; CREBBP-Related Rubinstein-Taybi Syndrome; RUBINSTEIN SYNDROME; RUBINSTEIN-TAYBI SYNDROME 1, INCOMPLETE. Identifiers: Orphanet 353277, Orphanet 783, MedGen C4551859, MONDO:0008393, OMIM 180849.

Submission:

Centre for Mendelian Genomics, University Medical Centre Ljubljana
Classification: Uncertain significance for Rubinstein-Taybi syndrome due to CREBBP mutations. Last evaluated: 2019-03-13. Review status: criteria provided, single submitter. Criteria: ACMG Guidelines, 2015. Collection method: clinical testing. Allele origin: unknown. Affected: yes.
Comment: This variant was classified as: Uncertain significance. The available evidence favors the pathogenic nature of this variant, however the currently available data is insufficient to conclusively support its pathogenic nature. Thus this variant is classified as Uncertain significance - favor pathogenic. The following ACMG criteria were applied in classifying this variant: PM1,PM2,PP3.

NM_004380.3(CREBBP):c.5611A>C (p.Thr1871Pro)

Gene: CREBBP (CREB binding lysine acetyltransferase; minus strand). Cytogenetic location: 16p13.3.
Variant type: single nucleotide variant.
Coding change: c.5611A>C on transcript NM_004380.3 (MANE Select); coding-DNA position 5611, A replaced by C.
Protein change: p.Thr1871Pro; replaces threonine 1871 with proline.
Molecular consequence: missense variant.
Genome position (GRCh38, 1-based): chr16:3,729,436, T>G on the plus strand (A>C on the coding strand, the complement: CREBBP is on the minus strand). VCF-style: chr16-3729436-T-G. GRCh37 (hg19) VCF-style: chr16-3779437-T-G.
Other names: c.5497A>C, p.Thr1833Pro (NM_001079846.1); short protein forms T1833P, T1871P.
Identifiers: ClinVar variation 931510 (VCV000931510.3), dbSNP rs2051850835, ClinGen allele CA394555905.